The following is an entry in ClinVar:

NM_006742.3(PSKH1):c.792T>C (p.Ile264=)

Gene: PSKH1 (protein serine kinase H1; plus strand). Cytogenetic location: 16q22.1.
Variant type: single nucleotide variant.
Coding change: c.792T>C on transcript NM_006742.3 (MANE Select); coding-DNA position 792, T replaced by C.
Protein change: p.Ile264=; no amino-acid change (isoleucine 264 retained).
Molecular consequence: synonymous variant.
Genome position (GRCh38, 1-based): chr16:67,909,541, T>C. VCF-style: chr16-67909541-T-C. GRCh37 (hg19) VCF-style: chr16-67943444-T-C.
Identifiers: ClinVar variation 4987889 (VCV004987889.1).

ClinVar aggregate classification (germline): Likely benign (1 of 4 stars; one submission).

Conditions:
PSKH1-related condition.

gnomAD v4.1: 26 of 1,613,906 alleles (0.0016%); highest among the groups gnomAD compares: Non-Finnish European, 0.002%; no homozygotes.

Submission:

PreventionGenetics, part of Exact Sciences
Classification: Likely benign for PSKH1-related condition. Last evaluated: 2026-09-21. Review status: criteria provided, single submitter. Criteria: ACMG Guidelines, 2015. Collection method: clinical testing. Allele origin: germline.
Comment: This variant is classified as likely benign based on ACMG/AMP sequence variant interpretation guidelines (Richards et al. 2015 PMID: 25741868, with internal and published modifications).